The following is an entry in ClinVar:

NM_003919.3(SGCE):c.59G>A (p.Arg20Gln)

Gene: SGCE (sarcoglycan epsilon; minus strand). Cytogenetic location: 7q21.3.
Variant type: single nucleotide variant.
Coding change: c.59G>A on transcript NM_003919.3 (MANE Select); coding-DNA position 59, G replaced by A.
Protein change: p.Arg20Gln; replaces arginine 20 with glutamine.
Molecular consequence: missense variant. On other transcripts: 5 prime UTR variant (4).
Genome position (GRCh38, 1-based): chr7:94,656,040, C>T on the plus strand (G>A on the coding strand, the complement: SGCE is on the minus strand). VCF-style: chr7-94656040-C-T. GRCh37 (hg19) VCF-style: chr7-94285352-C-T.
Other names: c.59G>A, p.Arg20Gln (NM_001099400.2, NM_001099401.2, NM_001301139.2 and 4 more transcripts); c.-199G>A (NM_001346719.2); c.-277G>A (NM_001346720.2, NM_001362808.2); c.-205G>A (NM_001362807.2); short protein forms R20Q.
Identifiers: ClinVar variation 862660 (VCV000862660.7), dbSNP rs759241679, ClinGen allele CA4348925.

ClinVar aggregate classification (germline): Uncertain significance (1 of 4 stars; one submission).

Conditions:
Myoclonic dystonia 11 (DYT11). Also called: Myoclonic dystonia; DYT-SGCE; Dystonia 11; Dystonia, alcohol responsive; Hereditary essential myoclonus; SGCE Myoclonus-Dystonia. Identifiers: Orphanet 36899, MedGen C1834570, MONDO:0008044, OMIM 159900.

Allele frequency attached by ClinVar (database versions not stated): ExAC 0.00003; gnomAD 0.00003 and 0.00004; gnomAD exomes 0.00003 and 0.00006; TOPMed 0.00004.
gnomAD v4.1: 51 of 1,613,466 alleles (0.0032%); highest among the groups gnomAD compares: South Asian, 0.0077%; no homozygotes.

Submission:

Labcorp Genetics (formerly Invitae), Labcorp
Classification: Uncertain significance for Myoclonic dystonia 11. Last evaluated: 2025-09-17. Review status: criteria provided, single submitter. Criteria: Invitae Variant Classification Sherloc (09022015). Collection method: clinical testing. Allele origin: germline.
Comment: This sequence change replaces arginine, which is basic and polar, with glutamine, which is neutral and polar, at codon 20 of the SGCE protein (p.Arg20Gln). This variant is present in population databases (rs759241679, gnomAD 0.01%). This variant has not been reported in the literature in individuals affected with SGCE-related conditions. ClinVar contains an entry for this variant (Variation ID: 862660). An algorithm developed to predict the effect of missense changes on protein structure and function outputs the following: PolyPhen-2: "Benign". The glutamine amino acid residue is found in multiple mammalian species, which suggests that this missense change does not adversely affect protein function. In summary, the available evidence is currently insufficient to determine the role of this variant in disease. Therefore, it has been classified as a Variant of Uncertain Significance.